The following is an entry in ClinVar:

NM_014795.4(ZEB2):c.134A>G (p.His45Arg)

Gene: ZEB2 (zinc finger E-box binding homeobox 2; minus strand). Cytogenetic location: 2q22.3.
Variant type: single nucleotide variant.
Coding change: c.134A>G on transcript NM_014795.4 (MANE Select); coding-DNA position 134, A replaced by G.
Protein change: p.His45Arg; replaces histidine 45 with arginine.
Molecular consequence: missense variant.
Genome position (GRCh38, 1-based): chr2:144,429,966, T>C on the plus strand (A>G on the coding strand, the complement: ZEB2 is on the minus strand). VCF-style: chr2-144429966-T-C. GRCh37 (hg19) VCF-style: chr2-145187533-T-C.
Other names: c.134A>G, p.His45Arg (NM_001171653.2); short protein forms H45R.
Identifiers: ClinVar variation 3366154 (VCV003366154.2).
Genomic context (GRCh38, chr2:144,429,966, plus strand): 5'-ACACTAGCTGGACTCGTCTCCTGGTCCAGAGGGTTGGCAATACCGTCATCCTCAGCAATA[T>C]GAAGCTTGTCTTCCTCATCTGTTTCAGAACCTGTGTCCACTACATTGTCATAGTTCACCA-3'
Protein context (NP_055610.1, residues 35-55): GSETDEEDKL[His45Arg]IAEDDGIANP

ClinVar aggregate classification (germline): Uncertain significance (1 of 4 stars; one submission).

Submission:

GeneDx
Classification: Uncertain significance. Last evaluated: 2026-05-08. Review status: criteria provided, single submitter. Criteria: GeneDx Variant Classification Process June 2021. Collection method: clinical testing. Allele origin: germline.
Comment: Not observed at significant frequency in large population cohorts (gnomAD); In silico analysis supports that this missense variant has a deleterious effect on protein structure/function; Has not been previously published as pathogenic or benign to our knowledge